The following is an entry in ClinVar:

ClinVar aggregate classification (germline): Likely benign. Review status: criteria provided, multiple submitters, no conflicts (2 of 4 stars). 2 submissions from 2 submitters: Likely benign (2). Last evaluated 2026-07-24.

Conditions:
TBX19-related disorder. Also called: TBX19-related condition.

gnomAD v4.1: 103 of 1,613,996 alleles (0.0064%); highest among the groups gnomAD compares: South Asian, 0.056%; no homozygotes.

Submissions (2):

PreventionGenetics, part of Exact Sciences
Classification: Likely benign for TBX19-related condition. Last evaluated: 2026-07-24. Review status: criteria provided, single submitter. Criteria: ACMG Guidelines, 2015. Collection method: clinical testing. Allele origin: germline.
Comment: This variant is classified as likely benign based on ACMG/AMP sequence variant interpretation guidelines (Richards et al. 2015 PMID: 25741868, with internal and published modifications).

Labcorp Genetics (formerly Invitae), Labcorp
Classification: Likely benign. Last evaluated: 2024-02-17. Review status: criteria provided, single submitter. Criteria: Invitae Variant Classification Sherloc (09022015). Collection method: clinical testing. Allele origin: germline.

NM_005149.3(TBX19):c.1029C>T (p.Asn343=)

Gene: TBX19 (T-box transcription factor 19; plus strand). Cytogenetic location: 1q24.2.
Variant type: single nucleotide variant.
Coding change: c.1029C>T on transcript NM_005149.3 (MANE Select); coding-DNA position 1029, C replaced by T.
Protein change: p.Asn343=; no amino-acid change (asparagine 343 retained).
Molecular consequence: synonymous variant.
Genome position (GRCh38, 1-based): chr1:168,308,854, C>T. VCF-style: chr1-168308854-C-T. GRCh37 (hg19) VCF-style: chr1-168278092-C-T.
Other names: c.1029C>T (NM_005149.2).
Identifiers: ClinVar variation 3610436 (VCV003610436.3).
Genomic context (GRCh38, chr1:168,308,854, plus strand): 5'-CAGCTGGACTTCCTTATCCTCCACACCCCATGCCAGCATCCTGTCTGTACCCCACACCAA[C>T]GGACCAATCAATCCAGGGCCCAGGTAAGACCAACACCATCAACTCGCTCATTGGTCGTCT-3'
Protein context (NP_005140.1, residues 333-353): HASILSVPHT[Asn343=]GPINPGPSPY